The following is an entry in ClinVar:

ClinVar aggregate classification (germline): Pathogenic (1 of 4 stars; one submission).

Submission:

Labcorp Genetics (formerly Invitae), Labcorp
Classification: Pathogenic. Last evaluated: 2019-01-18. Review status: criteria provided, single submitter. Criteria: Invitae Variant Classification Sherloc (09022015). Collection method: clinical testing. Allele origin: germline.
Comment: For these reasons, this variant has been classified as Pathogenic. Loss-of-function variants in SLC26A4 are known to be pathogenic (PMID: 16283880, 25394566, 26252218, 26445815). This variant has not been reported in the literature in individuals with SLC26A4-related conditions. This variant is an out-of-frame deletion of the genomic region encompassing exons 11-13 of the SLC26A4 gene. This is expected to create a premature translational stop signal and result in an absent or disrupted protein product.

Literature cited by the submitters: PubMed 16283880; PubMed 25394566; PubMed 26252218; PubMed 26445815.

NC_000007.14:g.(?_107694391)_(107696049_?)del

Gene: SLC26A4 (solute carrier family 26 member 4; plus strand). Cytogenetic location: 7q22.3.
Variant type: Deletion.
Identifiers: ClinVar variation 831999 (VCV000831999.3).